The following is an entry in ClinVar:

NM_001999.4(FBN2):c.4646A>G (p.Asn1549Ser)

Gene: FBN2 (fibrillin 2; minus strand). Cytogenetic location: 5q23.3.
Variant type: single nucleotide variant.
Coding change: c.4646A>G on transcript NM_001999.4 (MANE Select); coding-DNA position 4646, A replaced by G.
Protein change: p.Asn1549Ser; replaces asparagine 1549 with serine.
Molecular consequence: missense variant.
Genome position (GRCh38, 1-based): chr5:128,318,220, T>C on the plus strand (A>G on the coding strand, the complement: FBN2 is on the minus strand). VCF-style: chr5-128318220-T-C. GRCh37 (hg19) VCF-style: chr5-127653912-T-C.
Other names: short protein forms N1549S.
Identifiers: ClinVar variation 213332 (VCV000213332.2), dbSNP rs863223575, ClinGen allele CA325404.

ClinVar aggregate classification (germline): Uncertain significance (1 of 4 stars; one submission).

Submission:

GeneDx
Classification: Uncertain significance. Last evaluated: 2014-05-22. Review status: criteria provided, single submitter. Criteria: GeneDx Variant Classification (06012015). Collection method: clinical testing. Allele origin: germline. Affected: yes.
Comment: The N1549S variant has not been published as a mutation or as a benign polymorphism to our knowledge. The N1549S variant was not observed in approximately 6500 individuals of European and African American ancestry in the NHLBI Exome Sequencing Project, indicating it is not a common benign variant in these populations. This substitution occurs at a position that is conserved across species. In silico analysis predicts this variant is probably damaging to the protein structure/function. However, the N1549S variant is a conservative amino acid substitution, which is not likely to impact secondary protein structure as these residues share similar properties. Furthermore, no missense mutations in nearby residues have been reported in association with contractural arachnodactyly or related disorder, suggesting this region of the protein may be tolerant to change. Therefore, based on the currently available information, it is unclear whether this variant is a pathogenic mutation or a rare benign variant. This variant was found in TAAD,FBN2